The following is an entry in ClinVar:

NM_001278716.2(FBXL4):c.65G>A (p.Arg22Gln)

Gene: FBXL4 (F-box and leucine rich repeat protein 4; minus strand). Cytogenetic location: 6q16.2.
Variant type: single nucleotide variant.
Coding change: c.65G>A on transcript NM_001278716.2 (MANE Select); coding-DNA position 65, G replaced by A.
Protein change: p.Arg22Gln; replaces arginine 22 with glutamine.
Molecular consequence: missense variant. On other transcripts: non-coding transcript variant (2).
Genome position (GRCh38, 1-based): chr6:98,926,924, C>T on the plus strand (G>A on the coding strand, the complement: FBXL4 is on the minus strand). VCF-style: chr6-98926924-C-T. GRCh37 (hg19) VCF-style: chr6-99374800-C-T.
Other names: c.65G>A, p.Arg22Gln (NM_012160.5); c.65G>A (NM_012160.3); short protein forms R22Q.
Identifiers: ClinVar variation 437528 (VCV000437528.11), dbSNP rs147696366, ClinGen allele CA3933746.

ClinVar aggregate classification (germline): Conflicting classifications of pathogenicity. Review status: criteria provided, conflicting classifications (1 of 4 stars). 3 submissions from 3 submitters: Uncertain significance (2); Likely benign (1). Last evaluated 2026-03-24.

Conditions:
Mitochondrial DNA depletion syndrome 13. Also called: FBXL4-Related Encephalomyopathic Mitochondrial DNA Depletion Syndrome; Mitochondrial DNA depletion syndrome 13 (encephalomyopathic type). Identifiers: Orphanet 369897, MedGen C3809592, MONDO:0014198, OMIM 615471.

Allele frequency attached by ClinVar (database versions not stated): gnomAD 0.00057; ESP Exome Variant Server 0.00031; TOPMed 0.00048; 1000 Genomes Project 0.00040; 1000 Genomes Project 30x 0.00047.
gnomAD v4.1: 141 of 1,614,068 alleles (0.0087%); highest among the groups gnomAD compares: African/African-American, 0.12%; no homozygotes.

Submissions (3):

GeneDx
Classification: Uncertain significance. Last evaluated: 2026-03-24. Review status: criteria provided, single submitter. Criteria: GeneDx Variant Classification Process June 2021. Collection method: clinical testing. Allele origin: germline.
Comment: In silico analysis suggests that this missense variant does not alter protein structure/function; Has not been previously published as pathogenic or benign to our knowledge

Labcorp Genetics (formerly Invitae), Labcorp
Classification: Likely benign. Last evaluated: 2026-01-20. Review status: criteria provided, single submitter. Criteria: Invitae Variant Classification Sherloc (09022015). Collection method: clinical testing. Allele origin: germline.

Wong Mito Lab, Molecular and Human Genetics, Baylor College of Medicine
Classification: Uncertain significance for Mitochondrial DNA depletion syndrome 13. Last evaluated: 2017-08-10. Review status: criteria provided, single submitter. Criteria: ACMG Guidelines, 2015. Collection method: reference population. Allele origin: germline.
Comment: The NM_012160.4:c.65G>A (NP_036292.2:p.Arg22Gln) [GRCH38: NC_000006.12:g.98926924C>T] variant in FBXL4 gene is interpretated to be a Uncertain Significance - Conflicting Evidence based on ACMG guidelines (PMID: 25741868). This variant meets one or more of the following evidence codes reported in the ACMG-guideline. PM2:This variant is absent in key population databases. BP4:Computational evidence/predictors indicate no impact on the FBXL4 structure, function, or protein-protein interaction. Based on this evidence code ClinGen Pathogenicity Calculator (PMID:28081714) suggested that the variant is Uncertain Significance - Conflicting Evidence.